The following is an entry in ClinVar:

ClinVar aggregate classification (germline): Likely benign. Review status: criteria provided, single submitter (1 of 4 stars). 2 submissions from 2 submitters: Likely benign (1). 1 of the submissions does not count toward it. Last evaluated 2023-11-24.

Conditions:
ADCY3-related disorder. Also called: ADCY3-related condition.

gnomAD v4.1: 136 of 1,613,774 alleles (0.0084%); highest among the groups gnomAD compares: Non-Finnish European, 0.011%; no homozygotes.

Submissions (2):

Labcorp Genetics (formerly Invitae), Labcorp
Classification: Likely benign. Last evaluated: 2023-11-24. Review status: criteria provided, single submitter. Criteria: Invitae Variant Classification Sherloc (09022015). Collection method: clinical testing. Allele origin: germline.

PreventionGenetics, part of Exact Sciences
Classification: Likely benign for ADCY3-related condition. Last evaluated: 2020-11-24. Review status: no assertion criteria provided. Collection method: clinical testing. Allele origin: germline. Not counted in ClinVar's aggregate classification.
Comment: This variant is classified as likely benign based on ACMG/AMP sequence variant interpretation guidelines (Richards et al. 2015 PMID: 25741868, with internal and published modifications).

NM_004036.5(ADCY3):c.480G>C (p.Ala160=)

Gene: ADCY3 (adenylate cyclase 3; minus strand). Cytogenetic location: 2p23.3.
Variant type: single nucleotide variant.
Coding change: c.480G>C on transcript NM_004036.5 (MANE Select); coding-DNA position 480, G replaced by C.
Protein change: p.Ala160=; no amino-acid change (alanine 160 retained).
Molecular consequence: synonymous variant.
Genome position (GRCh38, 1-based): chr2:24,918,508, C>G on the plus strand (G>C on the coding strand, the complement: ADCY3 is on the minus strand). VCF-style: chr2-24918508-C-G. GRCh37 (hg19) VCF-style: chr2-25141377-C-G.
Other names: c.480G>C (NM_001320613.1); c.480G>C, p.Ala160= (NM_001320613.2, NM_001377128.1, NM_001377129.1 and 2 more transcripts).
Identifiers: ClinVar variation 2746066 (VCV002746066.5), dbSNP rs77022138, ClinGen allele CA1554501.